The following is an entry in ClinVar:

ClinVar aggregate classification (germline): Uncertain significance (1 of 4 stars; one submission).

Conditions:
Charcot-Marie-Tooth disease type 4. Also called: Charcot-Marie-Tooth disease, type IV; Charcot-Marie-Tooth, Type 4. Identifiers: Orphanet 64749, MedGen C4082197, MONDO:0018995.

Allele frequency attached by ClinVar (database versions not stated): gnomAD exomes below 0.00001; ExAC 0.00001.

Submission:

Labcorp Genetics (formerly Invitae), Labcorp
Classification: Uncertain significance for Charcot-Marie-Tooth disease type 4. Last evaluated: 2021-05-30. Review status: criteria provided, single submitter. Criteria: Invitae Variant Classification Sherloc (09022015). Collection method: clinical testing. Allele origin: germline.
Comment: This variant is present in population databases (rs773347231, ExAC 0.01%). This sequence change replaces proline with serine at codon 851 of the FIG4 protein (p.Pro851Ser). The proline residue is moderately conserved and there is a moderate physicochemical difference between proline and serine. This variant has not been reported in the literature in individuals with FIG4-related conditions. Algorithms developed to predict the effect of missense changes on protein structure and function (SIFT, PolyPhen-2, Align-GVGD) all suggest that this variant is likely to be tolerated, but these predictions have not been confirmed by published functional studies and their clinical significance is uncertain. In summary, the available evidence is currently insufficient to determine the role of this variant in disease. Therefore, it has been classified as a Variant of Uncertain Significance.

NM_014845.6(FIG4):c.2551C>T (p.Pro851Ser)

Gene: FIG4 (FIG4 phosphoinositide 5-phosphatase; plus strand). Cytogenetic location: 6q21.
Variant type: single nucleotide variant.
Coding change: c.2551C>T on transcript NM_014845.6 (MANE Select); coding-DNA position 2551, C replaced by T.
Protein change: p.Pro851Ser; replaces proline 851 with serine.
Molecular consequence: missense variant.
Genome position (GRCh38, 1-based): chr6:109,825,092, C>T. VCF-style: chr6-109825092-C-T. GRCh37 (hg19) VCF-style: chr6-110146295-C-T.
Other names: short protein forms P851S.
Identifiers: ClinVar variation 1398148 (VCV001398148.8), dbSNP rs773347231, ClinGen allele CA3956450.